The following is an entry in ClinVar:

NM_000261.2(MYOC):c.764T>C (p.Leu255Pro)

Gene: MYOC (myocilin; minus strand). Cytogenetic location: 1q24.3.
Variant type: single nucleotide variant.
Coding change: c.764T>C on transcript NM_000261.2 (MANE Select); coding-DNA position 764, T replaced by C.
Protein change: p.Leu255Pro; replaces leucine 255 with proline.
Molecular consequence: missense variant.
Genome position (GRCh38, 1-based): chr1:171,636,676, A>G on the plus strand (T>C on the coding strand, the complement: MYOC is on the minus strand). VCF-style: chr1-171636676-A-G. GRCh37 (hg19) VCF-style: chr1-171605816-A-G.
Other names: NM_000261.2:c.764T>C; short protein forms L255P.
Identifiers: ClinVar variation 2429759 (VCV002429759.2), dbSNP rs2527840090, ClinGen allele CA343726232.

ClinVar aggregate classification (germline): Uncertain significance (3 of 4 stars; one submission).

Conditions:
Open-angle glaucoma. Identifiers: MedGen C0017612, MONDO:0005338, HP:0012108.

Submission:

ClinGen Glaucoma Variant Curation Expert Panel
Classification: Uncertain significance for Open-angle glaucoma. Last evaluated: 2025-10-08. Review status: reviewed by expert panel. Criteria: ClinGen Glaucoma ACMG Specifications V2.0.0 Approved. Collection method: curation. Allele origin: germline. Inheritance: Autosomal dominant inheritance.
Comment: The c.764T>C variant in MYOC is a missense variant predicted to cause substitution of Leucine by Proline at amino acid 255 (p.Leu255Pro). This variant was not found in any genetic ancestry group of gnomAD (v4.1.0), meeting the ≤ 0.0001 threshold set for PM2_Supporting in a genetic ancestry group of at least 10,000 alleles. The REVEL score = 0.421, which was neither above nor below the thresholds for PP3 (≥ 0.644) or BP4 (≤ 0.290), predicting a damaging or benign impact on MYOC function. There was no functional evidence predicting a damaging or benign impact of this variant on MYOC function. 5 segregations in 1 family, with juvenile or primary open angle glaucoma (JOAG or POAG), have been reported (PMID: 27485216), which fulfilled PP1_Moderate (5-6 meioses). Only 1 proband with JOAG had been reported (PMID: 27485216), not meeting the ≥ 2 probands threshold required to meet PS4_Supporting. In summary, this variant met the criteria to receive a score of 3 and to be classified as a variant of uncertain significance (uncertain significance classification range -1 to 5, adapted from PMID: 32720330) for juvenile open angle glaucoma based on the ACMG/AMP criteria met, as specified by the ClinGen Glaucoma VCEP (v2.0.0, 5 Dec 2024): PP1_Moderate, PM2_Supporting